The following is an entry in ClinVar:

ClinVar aggregate classification (germline): Conflicting classifications of pathogenicity. Review status: criteria provided, conflicting classifications (1 of 4 stars). 4 submissions from 4 submitters: Uncertain significance (2); Likely benign (1). 1 of the submissions does not count toward it. Last evaluated 2025-09-25.

Conditions:
NOTCH1-related disorder. Also called: NOTCH1-related condition; NOTCH1-related disorders.
Familial thoracic aortic aneurysm and aortic dissection (TAAD). Also called: Thoracic aortic aneurysms and dissections. Identifiers: Orphanet 91387, MedGen C4707243, MONDO:0019625.
Adams-Oliver syndrome 5 (AOS5). Identifiers: Orphanet 974, MedGen C4014970, MONDO:0014459, OMIM 616028.

Allele frequency attached by ClinVar (database versions not stated): TOPMed below 0.00001; gnomAD 0.00001; ExAC 0.00002.

Submissions (4):

Labcorp Genetics (formerly Invitae), Labcorp
Classification: Likely benign for Adams-Oliver syndrome 5. Last evaluated: 2025-09-25. Review status: criteria provided, single submitter. Criteria: Invitae Variant Classification Sherloc (09022015). Collection method: clinical testing. Allele origin: germline.

Ambry Genetics
Classification: Uncertain significance for Familial thoracic aortic aneurysm and aortic dissection. Last evaluated: 2024-06-05. Review status: criteria provided, single submitter. Criteria: Ambry Variant Classification Scheme 2023. Collection method: clinical testing. Allele origin: germline.
Comment: The p.G269R variant (also known as c.805G>A), located in coding exon 5 of the NOTCH1 gene, results from a G to A substitution at nucleotide position 805. The glycine at codon 269 is replaced by arginine, an amino acid with dissimilar properties. This variant has been reported in an aortic dissection cohort (Pan M et al. Clin Genet, 2020 May;97:704-711). This amino acid position is highly conserved in available vertebrate species. In addition, this alteration is predicted to be deleterious by in silico analysis. Based on the available evidence, the clinical significance of this variant remains unclear.

GeneDx
Classification: Uncertain significance. Last evaluated: 2022-04-18. Review status: criteria provided, single submitter. Criteria: GeneDx Variant Classification Process June 2021. Collection method: clinical testing. Allele origin: germline. Affected: yes.
Comment: Not observed at significant frequency in large population cohorts (gnomAD); In silico analysis supports that this missense variant has a deleterious effect on protein structure/function; This variant is associated with the following publications: (PMID: 32154576)

PreventionGenetics, part of Exact Sciences
Classification: Uncertain significance for NOTCH1-related condition. Last evaluated: 2024-05-10. Review status: no assertion criteria provided. Collection method: clinical testing. Allele origin: germline. Not counted in ClinVar's aggregate classification.
Comment: The NOTCH1 c.805G>A variant is predicted to result in the amino acid substitution p.Gly269Arg. This variant was reported in an individual with aortic dissection (Table S2, Pan et al. 2020. PubMed ID: 32154576). This variant is reported in 0.0046% of alleles in individuals of European (Finnish) descent in gnomAD. At this time, the clinical significance of this variant is uncertain due to the absence of conclusive functional and genetic evidence.

Literature cited by the submitters: PubMed 32154576 (cited by Ambry Genetics).

NM_017617.5(NOTCH1):c.805G>A (p.Gly269Arg)

Gene: NOTCH1 (notch receptor 1; minus strand). Cytogenetic location: 9q34.3.
Variant type: single nucleotide variant.
Coding change: c.805G>A on transcript NM_017617.5 (MANE Select); coding-DNA position 805, G replaced by A.
Protein change: p.Gly269Arg; replaces glycine 269 with arginine.
Molecular consequence: missense variant.
Genome position (GRCh38, 1-based): chr9:136,519,503, C>T on the plus strand (G>A on the coding strand, the complement: NOTCH1 is on the minus strand). VCF-style: chr9-136519503-C-T. GRCh37 (hg19) VCF-style: chr9-139413955-C-T.
Other names: c.805G>A (NM_017617.4); short protein forms G269R.
Identifiers: ClinVar variation 1712160 (VCV001712160.7), dbSNP rs768524076, ClinGen allele CA5342034.